The following is an entry in ClinVar:

ClinVar aggregate classification (germline): Benign/Likely benign. Review status: criteria provided, multiple submitters, no conflicts (2 of 4 stars). 5 submissions from 5 submitters: Benign (2); Likely benign (1). 2 of the submissions do not count toward it. Last evaluated 2026-06-01.

Allele frequency attached by ClinVar (database versions not stated): 1000 Genomes Project 0.00060; 1000 Genomes Project 30x 0.00062; TOPMed 0.00253; gnomAD 0.00357 and 0.00374; ESP Exome Variant Server 0.00377.
gnomAD v4.1: 5,206 of 1,614,128 alleles (0.32%); highest among the groups gnomAD compares: Non-Finnish European, 0.33%; 33 homozygotes.

Submissions (5):

CeGaT Center for Human Genetics Tuebingen
Classification: Likely benign. Last evaluated: 2026-06-01. Review status: criteria provided, single submitter. Criteria: CeGaT Center For Human Genetics Tuebingen Variant Classification Criteria Version 2. Collection method: clinical testing. Allele origin: germline. Affected: yes. Observed: 13 variant alleles.
Comment: PKD1L1: BP4, BS2

Labcorp Genetics (formerly Invitae), Labcorp
Classification: Benign. Last evaluated: 2026-01-12. Review status: criteria provided, single submitter. Criteria: Invitae Variant Classification Sherloc (09022015). Collection method: clinical testing. Allele origin: germline.

Breakthrough Genomics
Classification: Benign. Review status: criteria provided, single submitter. Criteria: ACMG Guidelines, 2015. Collection method: not provided. Allele origin: germline. Inheritance: Autosomal recessive inheritance. Affected: yes.

Clinical Genetics DNA and cytogenetics Diagnostics Lab, Erasmus MC, Erasmus Medical Center
Classification: Likely benign. Review status: no assertion criteria provided. Collection method: clinical testing. Allele origin: germline. Affected: yes. Study: VKGL Data-share Consensus. Not counted in ClinVar's aggregate classification.

Genome Diagnostics Laboratory, University Medical Center Utrecht
Classification: Benign. Review status: no assertion criteria provided. Collection method: clinical testing. Allele origin: germline. Affected: yes. Study: VKGL Data-share Consensus. Not counted in ClinVar's aggregate classification.

NM_138295.5(PKD1L1):c.908G>A (p.Arg303Gln)

Gene: PKD1L1 (polycystin 1 like 1, transient receptor potential channel interacting; minus strand). Cytogenetic location: 7p12.3.
Variant type: single nucleotide variant.
Coding change: c.908G>A on transcript NM_138295.5 (MANE Select); coding-DNA position 908, G replaced by A.
Protein change: p.Arg303Gln; replaces arginine 303 with glutamine.
Molecular consequence: missense variant.
Genome position (GRCh38, 1-based): chr7:47,929,356, C>T on the plus strand (G>A on the coding strand, the complement: PKD1L1 is on the minus strand). VCF-style: chr7-47929356-C-T. GRCh37 (hg19) VCF-style: chr7-47968953-C-T.
Other names: short protein forms R303Q.
Identifiers: ClinVar variation 717522 (VCV000717522.35), dbSNP rs145088541, ClinGen allele CA4254199.